The following is an entry in ClinVar:

NM_033159.4(HYAL1):c.368C>G (p.Ser123Ter)

Gene: HYAL1 (hyaluronidase 1; minus strand). Cytogenetic location: 3p21.31.
Variant type: single nucleotide variant.
Coding change: c.368C>G on transcript NM_033159.4 (MANE Select); coding-DNA position 368, C replaced by G.
Protein change: p.Ser123Ter; replaces serine 123 with a stop codon.
Molecular consequence: nonsense. On other transcripts: 5 prime UTR variant (1), non-coding transcript variant (1), intron variant (1).
Genome position (GRCh38, 1-based): chr3:50,302,589, G>C on the plus strand (C>G on the coding strand, the complement: HYAL1 is on the minus strand). VCF-style: chr3-50302589-G-C. GRCh37 (hg19) VCF-style: chr3-50340020-G-C.
Other names: c.368C>G, p.Ser123Ter (NM_153281.2, NM_153282.3); c.-179C>G (NM_153283.3); c.-26-384C>G (NM_153285.3); short protein forms S123*.
Identifiers: ClinVar variation 4816913 (VCV004816913.1).

ClinVar aggregate classification (germline): Likely pathogenic (1 of 4 stars; one submission).

Conditions:
Deficiency of hyaluronoglucosaminidase (MPS9). Also called: MPS IX; Mucopolysaccharidosis type 9; HYALURONIDASE DEFICIENCY. Identifiers: Orphanet 67041, MedGen C1291490, MONDO:0011093, OMIM 601492.

Submission:

Natera, Inc.
Classification: Likely pathogenic for Mucopolysaccharidosis type IX. Last evaluated: 2024-03-05. Review status: criteria provided, single submitter. Criteria: Natera Variant Classification Schema (03/2026). Collection method: clinical testing. Allele origin: germline.
Comment: The c.368C>G variant in HYAL1 is a nonsense variant predicted to introduce a stop codon at amino acid 123. This variant is expected to result in nonsense mediated decay, truncation, or a dysfunctional protein product. This variant is rare in the general population with a frequency below the threshold expected for the associated phenotype(s). Given the available evidence, this variant is classified as Likely Pathogenic.